The following is an entry in ClinVar:

NM_004646.4(NPHS1):c.803G>A (p.Arg268Gln)

Gene: NPHS1 (NPHS1 adhesion molecule, nephrin; minus strand). Cytogenetic location: 19q13.12.
Variant type: single nucleotide variant.
Coding change: c.803G>A on transcript NM_004646.4 (MANE Select); coding-DNA position 803, G replaced by A.
Protein change: p.Arg268Gln; replaces arginine 268 with glutamine.
Molecular consequence: missense variant.
Genome position (GRCh38, 1-based): chr19:35,849,273, C>T on the plus strand (G>A on the coding strand, the complement: NPHS1 is on the minus strand). VCF-style: chr19-35849273-C-T. GRCh37 (hg19) VCF-style: chr19-36340175-C-T.
Other names: short protein forms R268Q.
Identifiers: ClinVar variation 724178 (VCV000724178.21), dbSNP rs115308424, ClinGen allele CA9390651.

ClinVar aggregate classification (germline): Conflicting classifications of pathogenicity. Review status: criteria provided, conflicting classifications (1 of 4 stars). 8 submissions from 8 submitters: Uncertain significance (1); Benign (3); Likely benign (1). 3 of the submissions do not count toward it. Last evaluated 2026-02-01.

Conditions:
Finnish congenital nephrotic syndrome (NPHS1). Also called: NEPHROTIC SYNDROME, TYPE 1. Identifiers: Orphanet 839, MedGen C0403399, MONDO:0009732, OMIM 256300.
Congenital nephrotic syndrome. Also called: Familial nephrotic syndrome. Identifiers: MedGen C3501848, MeSH C535761, MONDO:0002350, HP:0008677.
Focal segmental glomerulosclerosis (FSGS). Also called: Glomerulosclerosis, focal; Focal sclerosis with hyalinosis. Identifiers: MedGen C0017668, MONDO:0100313, HP:0000097. Disease mechanism: loss of function.

Allele frequency attached by ClinVar (database versions not stated): ESP Exome Variant Server 0.00023; gnomAD exomes 0.00037 and 0.00135; gnomAD 0.00052 and 0.00085; TOPMed 0.00077; ExAC 0.00137; 1000 Genomes Project 0.00579; 1000 Genomes Project 30x 0.00640.

Submissions (8):

Labcorp Genetics (formerly Invitae), Labcorp
Classification: Benign. Last evaluated: 2026-02-01. Review status: criteria provided, single submitter. Criteria: Invitae Variant Classification Sherloc (09022015). Collection method: clinical testing. Allele origin: germline.

Blueprint Genetics
Classification: Likely benign. Last evaluated: 2024-11-13. Review status: criteria provided, single submitter. Criteria: ACMG Guidelines, 2015. Collection method: clinical testing. Allele origin: germline.

Precision Medicine Center, Zhengzhou University
Classification: Uncertain significance for Finnish congenital nephrotic syndrome. Last evaluated: 2023-12-01. Review status: criteria provided, single submitter. Criteria: ACMG Guidelines, 2015. Collection method: clinical testing. Allele origin: maternal. Affected: yes.
Comment: PM2_p,PP3

Genome Diagnostics Laboratory, The Hospital for Sick Children
Classification: Benign for Focal segmental glomerulosclerosis. Last evaluated: 2022-05-10. Review status: criteria provided, single submitter. Criteria: ACMG Guidelines, 2015. Collection method: clinical testing. Allele origin: germline.

Illumina Laboratory Services, Illumina
Classification: Benign for Congenital nephrotic syndrome. Last evaluated: 2017-04-27. Review status: criteria provided, single submitter. Criteria: ICSL Variant Classification Criteria 13 December 2019. Collection method: clinical testing. Allele origin: germline.
Comment: This variant was observed as part of a predisposition screen in an ostensibly healthy population. A literature search was performed for the gene, cDNA change, and amino acid change (where applicable). No publications were found based on this search. Allele frequency data from public databases was too high to be consistent with this variant causing disease. Therefore, this variant is classified as benign.

Natera, Inc.
Classification: Benign for Finnish congenital nephrotic syndrome. Last evaluated: 2020-01-08. Review status: no assertion criteria provided. Collection method: clinical testing. Allele origin: germline. Not counted in ClinVar's aggregate classification.

Genome Diagnostics Laboratory, University Medical Center Utrecht
Classification: Benign. Review status: no assertion criteria provided. Collection method: clinical testing. Allele origin: germline. Affected: yes. Study: VKGL Data-share Consensus. Not counted in ClinVar's aggregate classification.

Laboratory of Diagnostic Genome Analysis, Leiden University Medical Center (LUMC)
Classification: Likely benign. Review status: no assertion criteria provided. Collection method: clinical testing. Allele origin: germline. Affected: yes. Study: VKGL Data-share Consensus. Not counted in ClinVar's aggregate classification.